The following is an entry in ClinVar:

NM_001111125.3(IQSEC2):c.1637G>A (p.Trp546Ter)

Gene: IQSEC2 (IQ motif and Sec7 domain ArfGEF 2; minus strand). Cytogenetic location: Xp11.22.
Variant type: single nucleotide variant.
Coding change: c.1637G>A on transcript NM_001111125.3 (MANE Select); coding-DNA position 1637, G replaced by A.
Protein change: p.Trp546Ter; replaces tryptophan 546 with a stop codon.
Molecular consequence: nonsense.
Genome position (GRCh38, 1-based): chrX:53,250,939, C>T on the plus strand (G>A on the coding strand, the complement: IQSEC2 is on the minus strand). VCF-style: chrX-53250939-C-T. GRCh37 (hg19) VCF-style: chrX-53280121-C-T.
Other names: c.1022G>A, p.Trp341Ter (NM_015075.2); short protein forms W546*, W341*.
Identifiers: ClinVar variation 915347 (VCV000915347.6), dbSNP rs2074379209, ClinGen allele CA413164879.
Genomic context (GRCh38, chrX:53,250,939, plus strand): 5'-CCGTCTTCCCGGGTTCCTGATGGCACTGGTGGAGGAACTGGCGGGAGAGGGGCTGGCGCC[C>T]AGAACTCGGGCCGGCCCTGGGGTGGGGGTTCTGTGCTGGGCAGTCGCTCAGGGGATTGTT-3'

ClinVar aggregate classification (germline): Pathogenic. Review status: criteria provided, multiple submitters, no conflicts (2 of 4 stars). 2 submissions from 2 submitters: Pathogenic (2). Last evaluated 2023-12-21.

Conditions:
Intellectual developmental disorder, X-linked 1. Also called: MENTAL RETARDATION, X-LINKED 18; MENTAL RETARDATION, X-LINKED 78; Intellectual disability, X-linked 1; Atkin Flaitz Patil Smith syndrome. Identifiers: Orphanet 777, MedGen C2931498, MONDO:0010656, OMIM 309530.

Submissions (2):

Labcorp Genetics (formerly Invitae), Labcorp
Classification: Pathogenic for Intellectual developmental disorder, X-linked 1. Last evaluated: 2023-12-21. Review status: criteria provided, single submitter. Criteria: Invitae Variant Classification Sherloc (09022015). Collection method: clinical testing. Allele origin: germline.
Comment: This sequence change creates a premature translational stop signal (p.Trp546*) in the IQSEC2 gene. It is expected to result in an absent or disrupted protein product. Loss-of-function variants in IQSEC2 are known to be pathogenic (PMID: 21686261, 26793055, 27665735). This variant is not present in population databases (gnomAD no frequency). This variant has not been reported in the literature in individuals affected with IQSEC2-related conditions. ClinVar contains an entry for this variant (Variation ID: 915347). For these reasons, this variant has been classified as Pathogenic.

Genomic Research Center, Shahid Beheshti University of Medical Sciences
Classification: Pathogenic for Intellectual developmental disorder, X-linked 1. Last evaluated: 2020-05-03. Review status: criteria provided, single submitter. Criteria: ACMG Guidelines, 2015. Collection method: clinical testing. Allele origin: unknown. Affected: yes.

Literature cited by the submitters: PubMed 21686261 (cited by Labcorp Genetics (formerly Invitae), Labcorp); PubMed 26793055 (cited by Labcorp Genetics (formerly Invitae), Labcorp); PubMed 27665735 (cited by Labcorp Genetics (formerly Invitae), Labcorp).